The following is an entry in ClinVar:

NM_173660.5(DOK7):c.1050C>G (p.Ser350Arg)

Gene: DOK7 (docking protein 7; plus strand). Cytogenetic location: 4p16.3.
Variant type: single nucleotide variant.
Coding change: c.1050C>G on transcript NM_173660.5 (MANE Select); coding-DNA position 1050, C replaced by G.
Protein change: p.Ser350Arg; replaces serine 350 with arginine.
Molecular consequence: missense variant. On other transcripts: 3 prime UTR variant (1).
Genome position (GRCh38, 1-based): chr4:3,493,036, C>G. VCF-style: chr4-3493036-C-G. GRCh37 (hg19) VCF-style: chr4-3494763-C-G.
Other names: c.*271C>G (NM_001164673.2); c.120C>G, p.Ser40Arg (NM_001256896.2); c.1050C>G, p.Ser350Arg (NM_001301071.2); c.618C>G, p.Ser206Arg (NM_001363811.2); short protein forms S350R, S206R, S40R.
Identifiers: ClinVar variation 1383158 (VCV001383158.6), dbSNP rs2109418499, ClinGen allele CA356117261.

ClinVar aggregate classification (germline): Uncertain significance (1 of 4 stars; one submission).

Conditions:
Fetal akinesia deformation sequence 1 (FADS1). Also called: Fetal akinesia sequence; Pena-Shokeir syndrome type I. Identifiers: Orphanet 994, MedGen C1276035, MONDO:0100101, OMIM 208150, HP:0001989.
Congenital myasthenic syndrome 10. Also called: Myasthenia, limb-girdle, familial. Identifiers: Orphanet 590, MedGen C1850792, MONDO:0009690, OMIM 254300.

Submission:

Labcorp Genetics (formerly Invitae), Labcorp
Classification: Uncertain significance for Congenital myasthenic syndrome 10; Fetal akinesia deformation sequence 1. Last evaluated: 2022-06-27. Review status: criteria provided, single submitter. Criteria: Invitae Variant Classification Sherloc (09022015). Collection method: clinical testing. Allele origin: germline.
Comment: This sequence change replaces serine, which is neutral and polar, with arginine, which is basic and polar, at codon 350 of the DOK7 protein (p.Ser350Arg). This variant is not present in population databases (gnomAD no frequency). This variant has not been reported in the literature in individuals affected with DOK7-related conditions. Algorithms developed to predict the effect of missense changes on protein structure and function are either unavailable or do not agree on the potential impact of this missense change (SIFT: "Deleterious"; PolyPhen-2: "Benign"; Align-GVGD: "Class C0"). In summary, the available evidence is currently insufficient to determine the role of this variant in disease. Therefore, it has been classified as a Variant of Uncertain Significance.